The following is an entry in ClinVar:

NM_000368.5(TSC1):c.1938G>A (p.Met646Ile)

Gene: TSC1 (TSC complex subunit 1; minus strand). Cytogenetic location: 9q34.13.
Variant type: single nucleotide variant.
Coding change: c.1938G>A on transcript NM_000368.5 (MANE Select); coding-DNA position 1938, G replaced by A.
Protein change: p.Met646Ile; replaces methionine 646 with isoleucine.
Molecular consequence: missense variant. On other transcripts: non-coding transcript variant (5).
Genome position (GRCh38, 1-based): chr9:132,905,640, C>T on the plus strand (G>A on the coding strand, the complement: TSC1 is on the minus strand). VCF-style: chr9-132905640-C-T. GRCh37 (hg19) VCF-style: chr9-135781027-C-T.
Other names: c.1935G>A, p.Met645Ile (NM_001162426.2, NM_001406597.1, NM_001406598.1 and 6 more transcripts); c.1785G>A, p.Met595Ile (NM_001162427.2, NM_001406610.1); c.1575G>A, p.Met525Ile (NM_001362177.2, NM_001406614.1, NM_001406615.1 and 5 more transcripts); c.1938G>A, p.Met646Ile (NM_001406592.1, NM_001406593.1, NM_001406594.1 and 7 more transcripts); c.1782G>A, p.Met594Ile (NM_001406611.1, NM_001406612.1, NM_001406613.1); c.1572G>A, p.Met524Ile (NM_001406620.1, NM_001406621.1, NM_001406622.1 and 2 more transcripts); c.987G>A, p.Met329Ile (NM_001406626.1); c.984G>A, p.Met328Ile (NM_001406627.1, NM_001406628.1); and 1 more; short protein forms M645I, M525I, M594I, M595I, M295I, M328I, M329I, M524I.
Identifiers: ClinVar variation 3811214 (VCV003811214.1).

ClinVar aggregate classification (germline): Uncertain significance (1 of 4 stars; one submission).

Conditions:
Hereditary cancer-predisposing syndrome. Also called: Neoplastic Syndromes, Hereditary; Hereditary Cancer Syndrome; Tumor predisposition; Hereditary neoplastic syndrome. Identifiers: Orphanet 140162, MedGen C0027672, MeSH D009386, MONDO:0015356.

gnomAD v4.1: 2 of 1,614,198 alleles (0.00012%); highest among the groups gnomAD compares: Non-Finnish European, 0.00017%; no homozygotes.

Submission:

Ambry Genetics
Classification: Uncertain significance for Hereditary cancer-predisposing syndrome. Last evaluated: 2025-01-09. Review status: criteria provided, single submitter. Criteria: Ambry Variant Classification Scheme 2023. Collection method: clinical testing. Allele origin: germline.
Comment: The p.M646I variant (also known as c.1938G>A), located in coding exon 13 of the TSC1 gene, results from a G to A substitution at nucleotide position 1938. The methionine at codon 646 is replaced by isoleucine, an amino acid with highly similar properties. This amino acid position is conserved. In addition, this alteration is predicted to be tolerated by in silico analysis. Based on the available evidence, the clinical significance of this variant remains unclear.